The following is an entry in ClinVar:

NM_003743.5(NCOA1):c.2430C>T (p.Asp810=)

Gene: NCOA1 (nuclear receptor coactivator 1; plus strand). Cytogenetic location: 2p23.3.
Variant type: single nucleotide variant.
Coding change: c.2430C>T on transcript NM_003743.5 (MANE Select); coding-DNA position 2430, C replaced by T.
Protein change: p.Asp810=; no amino-acid change (aspartic acid 810 retained).
Molecular consequence: synonymous variant.
Genome position (GRCh38, 1-based): chr2:24,710,942, C>T. VCF-style: chr2-24710942-C-T. GRCh37 (hg19) VCF-style: chr2-24933811-C-T.
Other names: c.2430C>T, p.Asp810= (NM_001362950.1, NM_001362952.1, NM_001362954.1 and 3 more transcripts).
Identifiers: ClinVar variation 3038992 (VCV003038992.2), dbSNP rs1249162185, ClinGen allele CA425169373.

ClinVar aggregate classification (germline): Likely benign (0 of 4 stars; one submission).

Conditions:
NCOA1-related disorder. Also called: NCOA1-related condition.

Allele frequency attached by ClinVar (database versions not stated): gnomAD exomes below 0.00001; TOPMed below 0.00001.
gnomAD v4.1: 3 of 1,613,892 alleles (0.00019%); highest among the groups gnomAD compares: Non-Finnish European, 0.00025%; no homozygotes.

Submission:

PreventionGenetics, part of Exact Sciences
Classification: Likely benign for NCOA1-related condition. Last evaluated: 2021-05-17. Review status: no assertion criteria provided. Collection method: clinical testing. Allele origin: germline.
Comment: This variant is classified as likely benign based on ACMG/AMP sequence variant interpretation guidelines (Richards et al. 2015 PMID: 25741868, with internal and published modifications).